The following is an entry in ClinVar:

NM_002292.4(LAMB2):c.839G>A (p.Arg280His)

Gene: LAMB2 (laminin subunit beta 2; minus strand). Cytogenetic location: 3p21.31.
Variant type: single nucleotide variant.
Coding change: c.839G>A on transcript NM_002292.4 (MANE Select); coding-DNA position 839, G replaced by A.
Protein change: p.Arg280His; replaces arginine 280 with histidine.
Molecular consequence: missense variant.
Genome position (GRCh38, 1-based): chr3:49,131,026, C>T on the plus strand (G>A on the coding strand, the complement: LAMB2 is on the minus strand). VCF-style: chr3-49131026-C-T. GRCh37 (hg19) VCF-style: chr3-49168459-C-T.
Other names: short protein forms R280H.
Identifiers: ClinVar variation 2040477 (VCV002040477.3), dbSNP rs776154941, ClinGen allele CA2394789.

ClinVar aggregate classification (germline): Uncertain significance. Review status: criteria provided, multiple submitters, no conflicts (2 of 4 stars). 2 submissions from 2 submitters: Uncertain significance (2). Last evaluated 2025-12-01.

Conditions:
Pierson syndrome. Also called: MICROCORIA-CONGENITAL NEPHROTIC SYNDROME. Identifiers: Orphanet 2670, MedGen C1836876, MONDO:0012184, OMIM 609049.
LAMB2-related infantile-onset nephrotic syndrome. Also called: Nephrotic Syndrome, type 5; NEPHROTIC SYNDROME, TYPE 5, WITHOUT OCULAR ABNORMALITIES; NEPHROTIC SYNDROME, TYPE 5, WITH OCULAR ABNORMALITIES. Identifiers: Orphanet 306507, MedGen C3280113, MONDO:0013621, OMIM 614199.

Allele frequency attached by ClinVar (database versions not stated): TOPMed below 0.00001; gnomAD 0.00001; ExAC 0.00003.
gnomAD v4.1: 19 of 1,613,834 alleles (0.0012%); highest among the groups gnomAD compares: Admixed American, 0.0017%; no homozygotes.

Submissions (2):

Labcorp Genetics (formerly Invitae), Labcorp
Classification: Uncertain significance for LAMB2-related infantile-onset nephrotic syndrome; Pierson syndrome. Last evaluated: 2025-12-01. Review status: criteria provided, single submitter. Criteria: Invitae Variant Classification Sherloc (09022015). Collection method: clinical testing. Allele origin: germline.
Comment: This sequence change replaces arginine, which is basic and polar, with histidine, which is basic and polar, at codon 280 of the LAMB2 protein (p.Arg280His). This variant is present in population databases (rs776154941, gnomAD 0.004%). This variant has not been reported in the literature in individuals affected with LAMB2-related conditions. ClinVar contains an entry for this variant (Variation ID: 2040477). An algorithm developed to predict the effect of missense changes on protein structure and function (PolyPhen-2) suggests that this variant is likely to be disruptive. In summary, the available evidence is currently insufficient to determine the role of this variant in disease. Therefore, it has been classified as a Variant of Uncertain Significance.

Fulgent Genetics
Classification: Uncertain significance for Pierson syndrome; LAMB2-related infantile-onset nephrotic syndrome. Last evaluated: 2024-02-06. Review status: criteria provided, single submitter. Criteria: ACMG Guidelines, 2015. Collection method: clinical testing. Allele origin: germline.